The following is an entry in ClinVar:

ClinVar aggregate classification (germline): Pathogenic (1 of 4 stars; one submission).

Submission:

Labcorp Genetics (formerly Invitae), Labcorp
Classification: Pathogenic. Last evaluated: 2022-05-29. Review status: criteria provided, single submitter. Criteria: Invitae Variant Classification Sherloc (09022015). Collection method: clinical testing. Allele origin: germline.
Comment: This sequence change creates a premature translational stop signal (p.Gly1966Alafs*133) in the LOXHD1 gene. While this is not anticipated to result in nonsense mediated decay, it is expected to disrupt the last 246 amino acid(s) of the LOXHD1 protein. This variant is not present in population databases (gnomAD no frequency). This variant has not been reported in the literature in individuals affected with LOXHD1-related conditions. This variant disrupts a region of the LOXHD1 protein in which other variant(s) (p.Gly2118Glu) have been determined to be pathogenic (PMID: 29676012). This suggests that this is a clinically significant region of the protein, and that variants that disrupt it are likely to be disease-causing. For these reasons, this variant has been classified as Pathogenic.

Literature cited by the submitters: PubMed 29676012.

NM_001384474.1(LOXHD1):c.6083del (p.Gly2028fs)

Gene: LOXHD1 (lipoxygenase homology PLAT domains 1; minus strand). Cytogenetic location: 18q21.1.
Variant type: Deletion.
Coding change: c.6083del on transcript NM_001384474.1 (MANE Select); coding-DNA position 6083, one base deleted (G; older notation c.6083delG).
Protein change: p.Gly2028fs; shifts the reading frame from glycine 2028.
Molecular consequence: frameshift variant.
Genome position (GRCh38, 1-based): chr18:46,485,118, C deleted on the plus strand (G on the coding strand, the reverse complement: LOXHD1 is on the minus strand); the first of 2 consecutive C bases (chr18:46,485,118-46,485,119); deleting either gives the same sequence. VCF-style (leftmost placement, unchanged base first): chr18-46485117-GC-G. GRCh37 (hg19) VCF-style: chr18-44065080-GC-G.
Other names: c.2750del, p.Gly917fs (NM_001145472.3); c.800del, p.Gly267fs (NM_001145473.3, NM_001173129.2); c.2462del, p.Gly821fs (NM_001308013.2); c.5897del, p.Gly1966fs (NM_144612.7); short protein forms G2028fs, G821fs, G1966fs, G267fs, G917fs.
Identifiers: ClinVar variation 1997502 (VCV001997502.4), dbSNP rs2511374491, ClinGen allele CA2580095852.